The following is an entry in ClinVar:

NM_004385.5(VCAN):c.3985G>A (p.Val1329Ile)

Gene: VCAN (versican; plus strand). Cytogenetic location: 5q14.3.
Variant type: single nucleotide variant.
Coding change: c.3985G>A on transcript NM_004385.5 (MANE Select); coding-DNA position 3985, G replaced by A.
Protein change: p.Val1329Ile; replaces valine 1329 with isoleucine.
Molecular consequence: missense variant. On other transcripts: intron variant (2).
Genome position (GRCh38, 1-based): chr5:83,522,291, G>A. VCF-style: chr5-83522291-G-A. GRCh37 (hg19) VCF-style: chr5-82818110-G-A.
Other names: c.3985G>A, p.Val1329Ile (NM_001164098.2); c.1042+9895G>A (NM_001164097.2, NM_001126336.3); c.3985G>A (NM_004385.4); short protein forms V1329I.
Identifiers: ClinVar variation 1471932 (VCV001471932.29), dbSNP rs751043479, ClinGen allele CA3333086.

ClinVar aggregate classification (germline): Uncertain significance. Review status: criteria provided, multiple submitters, no conflicts (2 of 4 stars). 3 submissions from 3 submitters: Uncertain significance (3). Last evaluated 2025-10-01.

Conditions:
VCAN-related disorder. Also called: VCAN-related condition.

Allele frequency attached by ClinVar (database versions not stated): gnomAD exomes 0.00001 and below 0.00001; TOPMed 0.00002; ExAC 0.00001; gnomAD 0.00001.
gnomAD v4.1: 7 of 1,598,812 alleles (0.00044%); highest among the groups gnomAD compares: Admixed American, 0.0017%; no homozygotes.

Submissions (3):

PreventionGenetics, part of Exact Sciences
Classification: Uncertain significance for VCAN-related condition. Last evaluated: 2025-10-01. Review status: criteria provided, single submitter. Criteria: ACMG Guidelines, 2015. Collection method: clinical testing. Allele origin: germline.
Comment: The VCAN c.3985G>A variant is predicted to result in the amino acid substitution p.Val1329Ile. To our knowledge, this variant has not been reported in the literature. This variant is reported in 0.0029% of alleles in individuals of Latino descent in gnomAD. At this time, the clinical significance of this variant is uncertain due to the absence of conclusive functional and genetic evidence.

Labcorp Genetics (formerly Invitae), Labcorp
Classification: Uncertain significance. Last evaluated: 2024-03-24. Review status: criteria provided, single submitter. Criteria: Invitae Variant Classification Sherloc (09022015). Collection method: clinical testing. Allele origin: germline.
Comment: This sequence change replaces valine, which is neutral and non-polar, with isoleucine, which is neutral and non-polar, at codon 1329 of the VCAN protein (p.Val1329Ile). This variant is present in population databases (rs751043479, gnomAD 0.003%). This variant has not been reported in the literature in individuals affected with VCAN-related conditions. ClinVar contains an entry for this variant (Variation ID: 1471932). An algorithm developed to predict the effect of missense changes on protein structure and function (PolyPhen-2) suggests that this variant is likely to be disruptive. In summary, the available evidence is currently insufficient to determine the role of this variant in disease. Therefore, it has been classified as a Variant of Uncertain Significance.

CeGaT Center for Human Genetics Tuebingen
Classification: Uncertain significance. Last evaluated: 2023-11-01. Review status: criteria provided, single submitter. Criteria: CeGaT Center For Human Genetics Tuebingen Variant Classification Criteria Version 2. Collection method: clinical testing. Allele origin: germline. Affected: yes. Observed: 1 variant allele.
Comment: VCAN: PM2